The following is an entry in ClinVar:

ClinVar aggregate classification (germline): Uncertain significance (1 of 4 stars; one submission).

Submission:

GeneDx
Classification: Uncertain significance. Last evaluated: 2025-04-14. Review status: criteria provided, single submitter. Criteria: GeneDx Variant Classification Process June 2021. Collection method: clinical testing. Allele origin: germline.
Comment: Not observed at significant frequency in large population cohorts (gnomAD); In silico analysis supports that this missense variant has a deleterious effect on protein structure/function; Has not been previously published as pathogenic or benign to our knowledge

NM_004818.3(DDX23):c.812A>G (p.Lys271Arg)

Gene: DDX23 (DEAD-box helicase 23; minus strand). Cytogenetic location: 12q13.12.
Variant type: single nucleotide variant.
Coding change: c.812A>G on transcript NM_004818.3 (MANE Select); coding-DNA position 812, A replaced by G.
Protein change: p.Lys271Arg; replaces lysine 271 with arginine.
Molecular consequence: missense variant.
Genome position (GRCh38, 1-based): chr12:48,837,335, T>C on the plus strand (A>G on the coding strand, the complement: DDX23 is on the minus strand). VCF-style: chr12-48837335-T-C. GRCh37 (hg19) VCF-style: chr12-49231118-T-C.
Other names: short protein forms K271R.
Identifiers: ClinVar variation 3773893 (VCV003773893.2).